The following is an entry in ClinVar:

ClinVar aggregate classification (germline): Uncertain significance. Review status: criteria provided, multiple submitters, no conflicts (2 of 4 stars). 2 submissions from 2 submitters: Uncertain significance (2). Last evaluated 2025-06-10.

gnomAD v4.1: 31 of 1,613,544 alleles (0.0019%); highest among the groups gnomAD compares: African/African-American, 0.0053%; no homozygotes.

Submissions (2):

Mayo Clinic Laboratories, Mayo Clinic
Classification: Uncertain significance. Last evaluated: 2025-06-10. Review status: criteria provided, single submitter. Criteria: ACMG Guidelines, 2015. Collection method: clinical testing. Allele origin: germline. Observed: 1 variant allele.
Comment: PM2_supporting

Blueprint Genetics
Classification: Uncertain significance. Last evaluated: 2023-08-04. Review status: criteria provided, single submitter. Criteria: ACMG Guidelines, 2015. Collection method: clinical testing. Allele origin: germline.

NM_003126.4(SPTA1):c.6751C>T (p.Arg2251Trp)

Gene: SPTA1 (spectrin alpha, erythrocytic 1; minus strand). Cytogenetic location: 1q23.1.
Variant type: single nucleotide variant.
Coding change: c.6751C>T on transcript NM_003126.4 (MANE Select); coding-DNA position 6751, C replaced by T.
Protein change: p.Arg2251Trp; replaces arginine 2251 with tryptophan.
Molecular consequence: missense variant.
Genome position (GRCh38, 1-based): chr1:158,615,253, G>A on the plus strand (C>T on the coding strand, the complement: SPTA1 is on the minus strand). VCF-style: chr1-158615253-G-A. GRCh37 (hg19) VCF-style: chr1-158585043-G-A.
Other names: p.Arg2251Trp; short protein forms R2251W.
Identifiers: ClinVar variation 4541633 (VCV004541633.2).
Genomic context (GRCh38, chr1:158,615,253, plus strand): 5'-CTCTGGCCACACGCCCTCAATACTTGGCCTGGATCTGTTGCTCCAGGTTGTGTTGCATCC[G>A]CAACCCAAGCTGGTAGAGCTGGTCCCACTGCTGAGCCAATCCAATGGTGCTGTATTTGAT-3'
Protein context (NP_003117.2, residues 2241-2261): QWDQLYQLGL[Arg2251Trp]MQHNLEQQIQ